The following is an entry in ClinVar:

NM_002691.4(POLD1):c.2713_2715del (p.Glu905del)

Gene: POLD1 (DNA polymerase delta 1, catalytic subunit; plus strand). Cytogenetic location: 19q13.33.
Variant type: Deletion.
Coding change: c.2713_2715del on transcript NM_002691.4 (MANE Select); coding-DNA positions 2713 to 2715, 3 bases deleted (GAG; older notation c.2713_2715delGAG).
Protein change: p.Glu905del; deletes glutamic acid 905.
Molecular consequence: inframe deletion. On other transcripts: non-coding transcript variant (1).
Genome position (GRCh38, 1-based): chr19:50,415,586-50,415,588, GAG deleted. VCF-style (leftmost placement, unchanged base first): chr19-50415585-CGAG-C. GRCh37 (hg19) VCF-style: chr19-50918842-CGAG-C.
Other names: c.2713_2715del, p.Glu905del (NM_001256849.1); c.2791_2793del, p.Glu931del (NM_001308632.1); short protein forms E905del, E931del.
Identifiers: ClinVar variation 1795095 (VCV001795095.5), dbSNP rs2514054804, ClinGen allele CA2580097749.
Genomic context (GRCh38, chr19:50,415,585, plus strand): 5'-CAAGGAGCTGACCCGCGCGGCCTCCGACTATGCCGGCAAGCAGGCCCACGTGGAGCTGGC[CGAG>C]AGGTCCTGCGCGGGGCGGGTGGCCTGGCCAGAAATAACCCCCTCCTTCCTGCCAGCTGGG-3'

ClinVar aggregate classification (germline): Uncertain significance. Review status: criteria provided, multiple submitters, no conflicts (2 of 4 stars). 2 submissions from 2 submitters: Uncertain significance (2). Last evaluated 2024-04-22.

Conditions:
POLD1-related polyposis and colorectal cancer syndrome (CRCS10). Also called: Colorectal cancer 10; COLORECTAL CANCER, SUSCEPTIBILITY TO, ON CHROMOSOME 19q; Colorectal cancer, susceptibility to, 10. Identifiers: Orphanet 220460, MedGen C2675481, MONDO:0012953, OMIM 612591.
Hereditary cancer-predisposing syndrome. Also called: Tumor predisposition; Hereditary Cancer Syndrome; Hereditary neoplastic syndrome; Neoplastic Syndromes, Hereditary. Identifiers: Orphanet 140162, MedGen C0027672, MeSH D009386, MONDO:0015356.

Submissions (2):

Labcorp Genetics (formerly Invitae), Labcorp
Classification: Uncertain significance for POLD1-related polyposis and colorectal cancer syndrome. Last evaluated: 2024-04-22. Review status: criteria provided, single submitter. Criteria: Invitae Variant Classification Sherloc (09022015). Collection method: clinical testing. Allele origin: germline.
Comment: This variant, c.2713_2715del, results in the deletion of 1 amino acid(s) of the POLD1 protein (p.Glu905del), but otherwise preserves the integrity of the reading frame. This variant is not present in population databases (gnomAD no frequency). This variant has not been reported in the literature in individuals affected with POLD1-related conditions. ClinVar contains an entry for this variant (Variation ID: 1795095). Experimental studies and prediction algorithms are not available or were not evaluated, and the functional significance of this variant is currently unknown. In summary, the available evidence is currently insufficient to determine the role of this variant in disease. Therefore, it has been classified as a Variant of Uncertain Significance.

Ambry Genetics
Classification: Uncertain significance for Hereditary cancer-predisposing syndrome. Last evaluated: 2020-04-27. Review status: criteria provided, single submitter. Criteria: Ambry Variant Classification Scheme 2023. Collection method: clinical testing. Allele origin: germline.
Comment: The c.2713_2715delGAG variant (also known as p.E905del) is located in coding exon 20 of the POLD1 gene. This variant results from an in-frame GAG deletion at nucleotide positions 2713 to 2715. This results in the in-frame deletion of a glutamic acid at codon 905. This amino acid position is well conserved in available vertebrate species. In addition, this alteration is predicted to be deleterious by in silico analysis (Choi Y et al. PLoS ONE. 2012; 7(10):e46688). Since supporting evidence is limited at this time, the clinical significance of this alteration remains unclear.